The following is an entry in ClinVar:

NM_004035.7(ACOX1):c.565G>A (p.Val189Ile)

Gene: ACOX1 (acyl-CoA oxidase 1; minus strand). Cytogenetic location: 17q25.1.
Variant type: single nucleotide variant.
Coding change: c.565G>A on transcript NM_004035.7 (MANE Select); coding-DNA position 565, G replaced by A.
Protein change: p.Val189Ile; replaces valine 189 with isoleucine.
Molecular consequence: missense variant.
Genome position (GRCh38, 1-based): chr17:75,955,921, C>T on the plus strand (G>A on the coding strand, the complement: ACOX1 is on the minus strand). VCF-style: chr17-75955921-C-T. GRCh37 (hg19) VCF-style: chr17-73952002-C-T.
Other names: c.451G>A, p.Val151Ile (NM_001185039.2); c.565G>A, p.Val189Ile (NM_007292.6); short protein forms V151I, V189I.
Identifiers: ClinVar variation 2699361 (VCV002699361.3), dbSNP rs2546079900, ClinGen allele CA401068204.

ClinVar aggregate classification (germline): Uncertain significance (1 of 4 stars; one submission).

Conditions:
Acyl-CoA oxidase deficiency. Also called: Peroxisomal acyl-CoA oxidase deficiency; Pseudoneonatal adrenoleukodystrophy; STRAIGHT-CHAIN ACYL-CoA OXIDASE DEFICIENCY. Identifiers: Orphanet 2971, MedGen C1849678, MONDO:0009919, OMIM 264470. Disease mechanism: loss of function.

Submission:

Labcorp Genetics (formerly Invitae), Labcorp
Classification: Uncertain significance for Acyl-CoA oxidase deficiency. Last evaluated: 2023-11-27. Review status: criteria provided, single submitter. Criteria: Invitae Variant Classification Sherloc (09022015). Collection method: clinical testing. Allele origin: germline.
Comment: This sequence change replaces valine, which is neutral and non-polar, with isoleucine, which is neutral and non-polar, at codon 189 of the ACOX1 protein (p.Val189Ile). This variant is not present in population databases (gnomAD no frequency). This variant has not been reported in the literature in individuals affected with ACOX1-related conditions. Advanced modeling of protein sequence and biophysical properties (such as structural, functional, and spatial information, amino acid conservation, physicochemical variation, residue mobility, and thermodynamic stability) performed at Invitae indicates that this missense variant is not expected to disrupt ACOX1 protein function with a negative predictive value of 80%. In summary, the available evidence is currently insufficient to determine the role of this variant in disease. Therefore, it has been classified as a Variant of Uncertain Significance.